The following is an entry in ClinVar:

NM_024422.6(DSC2):c.752C>A (p.Thr251Lys)

Gene: DSC2 (desmocollin 2; minus strand). Cytogenetic location: 18q12.1.
Variant type: single nucleotide variant.
Coding change: c.752C>A on transcript NM_024422.6 (MANE Select); coding-DNA position 752, C replaced by A.
Protein change: p.Thr251Lys; replaces threonine 251 with lysine.
Molecular consequence: missense variant.
Genome position (GRCh38, 1-based): chr18:31,087,692, G>T on the plus strand (C>A on the coding strand, the complement: DSC2 is on the minus strand). VCF-style: chr18-31087692-G-T. GRCh37 (hg19) VCF-style: chr18-28667655-G-T.
Other names: c.752C>A, p.Thr251Lys (NM_004949.5); short protein forms T251K.
Identifiers: ClinVar variation 923979 (VCV000923979.11), dbSNP rs1987446781, ClinGen allele CA402112658.
Genomic context (GRCh38, chr18:31,087,692, plus strand): 5'-AGTTAATTTGCCATATATTGTTTAAGGAGGTACTCACCCACTCTGCAATTTTCAAAAATT[G>T]TAAAAGTATAAGTTTCTTCTGTAAAAATTGGGTAGTTATCATTTTCATCCTCTATTTTGA-3'
Protein context (NP_077740.1, residues 241-261): PIFTEETYTF[Thr251Lys]IFENCRVGTT

ClinVar aggregate classification (germline): Uncertain significance. Review status: criteria provided, multiple submitters, no conflicts (2 of 4 stars). 2 submissions from 2 submitters: Uncertain significance (2). Last evaluated 2023-12-05.

Conditions:
Cardiomyopathy (CMYO). Also called: Cardiomyopathies. Identifiers: Orphanet 167848, MedGen C0878544, MONDO:0004994, HP:0001638. Inheritance: Various modes of inheritance.
Arrhythmogenic right ventricular dysplasia 11. Also called: ARRHYTHMOGENIC RIGHT VENTRICULAR DYSPLASIA, FAMILIAL, 11; Arrhythmogenic Right Ventricular Dysplasia/Cardiomyopathy11; Arrhythmogenic right ventricular dysplasia 11 with mild palmoplantar keratoderma and woolly hair. Identifiers: MedGen C1864850, MONDO:0012506, OMIM 610476.

gnomAD v4.1: 1 of 1,612,950 alleles (0.000062%); highest among the groups gnomAD compares: South Asian, 0.0011%; no homozygotes.

Submissions (2):

Color Diagnostics, LLC DBA Color Health
Classification: Uncertain significance for Cardiomyopathy. Last evaluated: 2023-12-05. Review status: criteria provided, single submitter. Criteria: ACMG Guidelines, 2015. Collection method: clinical testing. Allele origin: germline.
Comment: This missense variant replaces threonine with lysine at codon 251 of the DSC2 protein. Computational prediction suggests that this variant may not impact protein structure and function (internally defined REVEL score threshold <= 0.5, PMID: 27666373). To our knowledge, functional studies have not been reported for this variant. This variant has not been reported in individuals affected with DSC2-related disorders in the literature. This variant has not been identified in the general population by the Genome Aggregation Database (gnomAD). The available evidence is insufficient to determine the role of this variant in disease conclusively. Therefore, this variant is classified as a Variant of Uncertain Significance.

Labcorp Genetics (formerly Invitae), Labcorp
Classification: Uncertain significance for Arrhythmogenic right ventricular dysplasia 11. Last evaluated: 2020-12-03. Review status: criteria provided, single submitter. Criteria: Invitae Variant Classification Sherloc (09022015). Collection method: clinical testing. Allele origin: germline.
Comment: In summary, the available evidence is currently insufficient to determine the role of this variant in disease. Therefore, it has been classified as a Variant of Uncertain Significance. Algorithms developed to predict the effect of missense changes on protein structure and function output the following: SIFT: "Tolerated"; PolyPhen-2: "Benign"; Align-GVGD: "Class C0". The lysine amino acid residue is found in multiple mammalian species, suggesting that this missense change does not adversely affect protein function. These predictions have not been confirmed by published functional studies and their clinical significance is uncertain. This variant has not been reported in the literature in individuals with DSC2-related conditions. This variant is not present in population databases (ExAC no frequency). This sequence change replaces threonine with lysine at codon 251 of the DSC2 protein (p.Thr251Lys). The threonine residue is moderately conserved and there is a moderate physicochemical difference between threonine and lysine.